The following is an entry in ClinVar:

NM_000257.4(MYH7):c.4457A>G (p.Asn1486Ser)

Genes: MHRT (myosin heavy chain associated RNA transcript; plus strand), MYH7 (myosin heavy chain 7; minus strand). Cytogenetic location: 14q11.2.
Variant type: single nucleotide variant.
Coding change: c.4457A>G on transcript NM_000257.4 (MANE Select); coding-DNA position 4457, A replaced by G.
Protein change: p.Asn1486Ser; replaces asparagine 1486 with serine.
Molecular consequence: missense variant. On other transcripts: non-coding transcript variant (1).
Genome position (GRCh38, 1-based): chr14:23,417,215, T>C on the plus strand (A>G on the coding strand, the complement: MYH7 is on the minus strand). VCF-style: chr14-23417215-T-C. GRCh37 (hg19) VCF-style: chr14-23886424-T-C.
Other names: short protein forms N1486S.
Identifiers: ClinVar variation 1321087 (VCV001321087.4), dbSNP rs2138645374, ClinGen allele CA389038372.

ClinVar aggregate classification (germline): Uncertain significance. Review status: criteria provided, multiple submitters, no conflicts (2 of 4 stars). 2 submissions from 2 submitters: Uncertain significance (2). Last evaluated 2019-09-19.

Conditions:
Cardiovascular phenotype. Identifiers: MedGen CN230736.

Submissions (2):

GeneDx
Classification: Uncertain significance. Last evaluated: 2019-09-19. Review status: criteria provided, single submitter. Criteria: GeneDx Variant Classification Process June 2021. Collection method: clinical testing. Allele origin: germline. Affected: yes.
Comment: Not observed in large population cohorts (Lek et al., 2016); In silico analysis, which includes protein predictors and evolutionary conservation, supports a deleterious effect; Has not been previously published as pathogenic or benign to our knowledge

Ambry Genetics
Classification: Uncertain significance for Cardiovascular phenotype. Last evaluated: 2018-07-06. Review status: criteria provided, single submitter. Criteria: Ambry Variant Classification Scheme 2023. Collection method: clinical testing. Allele origin: germline.
Comment: The p.N1486S variant (also known as c.4457A>G), located in coding exon 30 of the MYH7 gene, results from an A to G substitution at nucleotide position 4457. The asparagine at codon 1486 is replaced by serine, an amino acid with highly similar properties. This amino acid position is highly conserved in available vertebrate species. In addition, this alteration is predicted to be tolerated by in silico analysis. Since supporting evidence is limited at this time, the clinical significance of this alteration remains unclear.